The following is an entry in ClinVar:

ClinVar aggregate classification (germline): Uncertain significance (1 of 4 stars; one submission).

Conditions:
Mitochondrial hypertrophic cardiomyopathy with lactic acidosis due to MTO1 deficiency. Also called: CARDIOMYOPATHY, INFANTILE HYPERTROPHIC MITOCHONDRIAL, AND LACTIC ACIDOSIS; Combined oxidative phosphorylation deficiency 10. Identifiers: Orphanet 314637, MedGen C4749921, MONDO:0013865, OMIM 614702.

Submission:

Labcorp Genetics (formerly Invitae), Labcorp
Classification: Uncertain significance for Mitochondrial hypertrophic cardiomyopathy with lactic acidosis due to MTO1 deficiency. Last evaluated: 2025-05-22. Review status: criteria provided, single submitter. Criteria: Invitae Variant Classification Sherloc (09022015). Collection method: clinical testing. Allele origin: germline.
Comment: This sequence change replaces leucine, which is neutral and non-polar, with glutamine, which is neutral and polar, at codon 476 of the MTO1 protein (p.Leu476Gln). This variant is not present in population databases (gnomAD no frequency). This variant has not been reported in the literature in individuals affected with MTO1-related conditions. Invitae Evidence Modeling of protein sequence and biophysical properties (such as structural, functional, and spatial information, amino acid conservation, physicochemical variation, residue mobility, and thermodynamic stability) has been performed for this missense variant. However, the output from this modeling did not meet the statistical confidence thresholds required to predict the impact of this variant on MTO1 protein function. In summary, the available evidence is currently insufficient to determine the role of this variant in disease. Therefore, it has been classified as a Variant of Uncertain Significance.

NM_012123.4(MTO1):c.1427T>A (p.Leu476Gln)

Gene: MTO1 (mitochondrial tRNA translation optimization 1; plus strand). Cytogenetic location: 6q13.
Variant type: single nucleotide variant.
Coding change: c.1427T>A on transcript NM_012123.4 (MANE Select); coding-DNA position 1427, T replaced by A.
Protein change: p.Leu476Gln; replaces leucine 476 with glutamine.
Molecular consequence: missense variant.
Genome position (GRCh38, 1-based): chr6:73,482,206, T>A. VCF-style: chr6-73482206-T-A. GRCh37 (hg19) VCF-style: chr6-74191929-T-A.
Other names: c.1547T>A, p.Leu516Gln (NM_001123226.2); c.1502T>A, p.Leu501Gln (NM_133645.3); short protein forms L516Q, L476Q, L501Q.
Identifiers: ClinVar variation 4771872 (VCV004771872.1).
Genomic context (GRCh38, chr6:73,482,206, plus strand): 5'-CTCTGGGCACCAGTGAACCATACCGCATGTTTACCAGCCGAGTAGAGTTCCGTTTGTCAC[T>A]GCGCCCTGATAATGCTGACAGCCGGCTCACACTGCGAGGTAACTCTTTCCTGAGTCCTGC-3'
Protein context (NP_036255.2, residues 466-486): FTSRVEFRLS[Leu476Gln]RPDNADSRLT